The following is an entry in ClinVar:

NM_000875.5(IGF1R):c.2927T>C (p.Val976Ala)

Gene: IGF1R (insulin like growth factor 1 receptor; plus strand). Cytogenetic location: 15q26.3.
Variant type: single nucleotide variant.
Coding change: c.2927T>C on transcript NM_000875.5 (MANE Select); coding-DNA position 2927, T replaced by C.
Protein change: p.Val976Ala; replaces valine 976 with alanine.
Molecular consequence: missense variant.
Genome position (GRCh38, 1-based): chr15:98,930,276, T>C. VCF-style: chr15-98930276-T-C. GRCh37 (hg19) VCF-style: chr15-99473505-T-C.
Other names: c.2924T>C, p.Val975Ala (NM_001291858.2); short protein forms V975A, V976A.
Identifiers: ClinVar variation 2444395 (VCV002444395.1), dbSNP rs2506050748, ClinGen allele CA393683035.

ClinVar aggregate classification (germline): Uncertain significance (1 of 4 stars; one submission).

Conditions:
Growth delay due to insulin-like growth factor I resistance. Also called: Insulin-Like Growth Factor I Resistance; Somatomedin end-organ insensitivity to; Somatomedin-c resistance to; IGF-1 resistance; IGF-I RESISTANCE. Identifiers: Orphanet 73273, MedGen C1849157, MONDO:0010038, OMIM 270450.

Submission:

3billion
Classification: Uncertain significance for Growth delay due to insulin-like growth factor I resistance. Last evaluated: 2023-02-23. Review status: criteria provided, single submitter. Criteria: ACMG Guidelines, 2015. Collection method: clinical testing. Allele origin: unknown. Affected: yes.
Comment: The variant is not observed in the gnomAD v2.1.1 dataset. In silico tool predictions suggest damaging effect of the variant on gene or gene product (REVEL: 0.69). Therefore, this variant is classified as VUS according to the recommendation of ACMG/AMP guideline.